The following is an entry in ClinVar:

ClinVar aggregate classification (germline): Uncertain significance (1 of 4 stars; one submission).

gnomAD v4.1: 10 of 1,605,600 alleles (0.00062%); highest among the groups gnomAD compares: South Asian, 0.0045%; no homozygotes.

Submission:

Labcorp Genetics (formerly Invitae), Labcorp
Classification: Uncertain significance. Last evaluated: 2025-03-14. Review status: criteria provided, single submitter. Criteria: Invitae Variant Classification Sherloc (09022015). Collection method: clinical testing. Allele origin: germline.
Comment: This sequence change replaces serine, which is neutral and polar, with leucine, which is neutral and non-polar, at codon 590 of the C2CD3 protein (p.Ser590Leu). This variant is present in population databases (no rsID available, gnomAD 0.004%). This variant has not been reported in the literature in individuals affected with C2CD3-related conditions. Invitae Evidence Modeling of protein sequence and biophysical properties (such as structural, functional, and spatial information, amino acid conservation, physicochemical variation, residue mobility, and thermodynamic stability) indicates that this missense variant is expected to disrupt C2CD3 protein function with a positive predictive value of 80%. In summary, the available evidence is currently insufficient to determine the role of this variant in disease. Therefore, it has been classified as a Variant of Uncertain Significance.

NM_001286577.2(C2CD3):c.1769C>T (p.Ser590Leu)

Gene: C2CD3 (C2 domain containing 3 centriole elongation regulator; minus strand). Cytogenetic location: 11q13.4.
Variant type: single nucleotide variant.
Coding change: c.1769C>T on transcript NM_001286577.2 (MANE Select); coding-DNA position 1769, C replaced by T.
Protein change: p.Ser590Leu; replaces serine 590 with leucine.
Molecular consequence: missense variant.
Genome position (GRCh38, 1-based): chr11:74,113,854, G>A on the plus strand (C>T on the coding strand, the complement: C2CD3 is on the minus strand). VCF-style: chr11-74113854-G-A. GRCh37 (hg19) VCF-style: chr11-73824899-G-A.
Other names: c.1769C>T, p.Ser590Leu (NM_015531.6); short protein forms S590L.
Identifiers: ClinVar variation 4773507 (VCV004773507.1).